The following is an entry in ClinVar:

NM_001080779.2(MYO1C):c.1758T>C (p.Phe586=)

Gene: MYO1C (myosin IC; minus strand). Cytogenetic location: 17p13.3.
Variant type: single nucleotide variant.
Coding change: c.1758T>C on transcript NM_001080779.2 (MANE Select); coding-DNA position 1758, T replaced by C.
Protein change: p.Phe586=; no amino-acid change (phenylalanine 586 retained).
Molecular consequence: synonymous variant.
Genome position (GRCh38, 1-based): chr17:1,474,649, A>G on the plus strand (T>C on the coding strand, the complement: MYO1C is on the minus strand). VCF-style: chr17-1474649-A-G. GRCh37 (hg19) VCF-style: chr17-1377943-A-G.
Other names: c.1701T>C, p.Phe567= (NM_001080950.2); c.1686T>C, p.Phe562= (NM_001363855.1); c.1653T>C, p.Phe551= (NM_033375.5).
Identifiers: ClinVar variation 508121 (VCV000508121.2), dbSNP rs2286873, ClinGen allele CA8267365.

ClinVar aggregate classification (germline): Benign. Review status: criteria provided, multiple submitters, no conflicts (2 of 4 stars). 2 submissions from 2 submitters: Benign (2). Last evaluated 2017-05-09.

Allele frequency attached by ClinVar (database versions not stated): gnomAD exomes 0.34916 and 0.35996; ExAC 0.36156; 1000 Genomes Project 0.41753; 1000 Genomes Project 30x 0.42661; gnomAD 0.44071 and 0.45161; TOPMed 0.45089; ESP Exome Variant Server 0.45141.

Submissions (2):

GeneDx
Classification: Benign. Last evaluated: 2017-05-09. Review status: criteria provided, single submitter. Criteria: GeneDx Variant Classification (06012015). Collection method: clinical testing. Allele origin: germline. Affected: yes.
Comment: This variant is considered likely benign or benign based on one or more of the following criteria: it is a conservative change, it occurs at a poorly conserved position in the protein, it is predicted to be benign by multiple in silico algorithms, and/or has population frequency not consistent with disease.

Breakthrough Genomics
Classification: Benign. Review status: criteria provided, single submitter. Criteria: ACMG Guidelines, 2015. Collection method: not provided. Allele origin: germline. Inheritance: Unknown mechanism. Affected: yes.